The following is an entry in ClinVar:

ClinVar aggregate classification (germline): Pathogenic. Review status: reviewed by expert panel (3 of 4 stars). 5 submissions from 5 submitters: Pathogenic (1). 4 of the submissions do not count toward it. Last evaluated 2016-10-18.

Conditions:
Hereditary breast ovarian cancer syndrome. Also called: Hereditary breast and ovarian cancer; Hereditary breast and ovarian cancer syndrome (HBOC); Hereditary breast and/or ovarian cancer syndrome; Breast and ovarian cancer; Hereditary breast and ovarian cancer syndrome; BRCA1- and BRCA2-Associated Hereditary Breast and Ovarian Cancer. Identifiers: Orphanet 145, MedGen C0677776, MeSH D061325, MONDO:0003582. Disease mechanism: loss of function.
Hereditary cancer-predisposing syndrome. Also called: Tumor predisposition; Neoplastic Syndromes, Hereditary; Hereditary neoplastic syndrome; Hereditary Cancer Syndrome. Identifiers: Orphanet 140162, MedGen C0027672, MeSH D009386, MONDO:0015356.
Breast-ovarian cancer, familial, susceptibility to, 2 (BROVCA2). Also called: BRCA2 Hereditary Breast and Ovarian Cancer. Identifiers: Orphanet 145, MedGen C2675520, MONDO:0012933, OMIM 612555. Disease mechanism: loss of function.

Submissions (5):

Evidence-based Network for the Interpretation of Germline Mutant Alleles (ENIGMA)
Classification: Pathogenic for Breast-ovarian cancer, familial, susceptibility to, 2. Last evaluated: 2016-10-18. Review status: reviewed by expert panel. Criteria: ENIGMA BRCA1/2 Classification Criteria (2015). Collection method: curation. Allele origin: germline.
Comment: Variant allele predicted to encode a truncated non-functional protein.

Labcorp Genetics (formerly Invitae), Labcorp
Classification: Pathogenic for Hereditary breast ovarian cancer syndrome. Last evaluated: 2025-02-17. Review status: criteria provided, single submitter. Criteria: Invitae Variant Classification Sherloc (09022015). Collection method: clinical testing. Allele origin: germline. Not counted in ClinVar's aggregate classification.
Comment: This sequence change creates a premature translational stop signal (p.Asn886Metfs*9) in the BRCA2 gene. It is expected to result in an absent or disrupted protein product. Loss-of-function variants in BRCA2 are known to be pathogenic (PMID: 20104584). This variant is not present in population databases (gnomAD no frequency). This premature translational stop signal has been observed in individual(s) with breast cancer (PMID: 25863477). ClinVar contains an entry for this variant (Variation ID: 266713). For these reasons, this variant has been classified as Pathogenic.

Ambry Genetics
Classification: Pathogenic for Hereditary cancer-predisposing syndrome. Last evaluated: 2021-06-29. Review status: criteria provided, single submitter. Criteria: Ambry Variant Classification Scheme 2023. Collection method: clinical testing. Allele origin: germline. Not counted in ClinVar's aggregate classification.
Comment: The c.2657delA pathogenic mutation, located in coding exon 10 of the BRCA2 gene, results from a deletion of one nucleotide at nucleotide position 2657, causing a translational frameshift with a predicted alternate stop codon (p.N886Mfs*9). This variant has been identified in multiple worldwide breast and ovarian cancer families (Kwong A et al. J Med Genet, 2016 Jan;53:15-23; Rebbeck TR et al. Hum Mutat, 2018 05;39:593-620). In addition to the clinical data presented in the literature, this alteration is expected to result in loss of function by premature protein truncation or nonsense-mediated mRNA decay. As such, this alteration is interpreted as a disease-causing mutation.

Women's Health and Genetics/Laboratory Corporation of America, LabCorp
Classification: Pathogenic for Hereditary breast and ovarian cancer syndrome. Last evaluated: 2019-06-20. Review status: criteria provided, single submitter. Criteria: LabCorp Variant Classification Summary - May 2015. Collection method: clinical testing. Allele origin: germline. Not counted in ClinVar's aggregate classification.
Comment: Variant summary: BRCA2 c.2657delA (p.Asn886MetfsX9) results in a premature termination codon, predicted to cause a truncation of the encoded protein or absence of the protein due to nonsense mediated decay, which are commonly known mechanisms for disease. Truncations downstream of this position have been classified as pathogenic by our laboratory. The variant was absent in 231126 control chromosomes. c.2657delA has been reported in the literature in individuals affected with Hereditary Breast and Ovarian Cancer (Kang_2015, Cardoso_2018, Rebbeck_2018). These data indicate that the variant may be associated with disease. To our knowledge, no experimental evidence demonstrating an impact on protein function has been reported. Three clinical diagnostic laboratories have submitted clinical-significance assessments for this variant to ClinVar after 2014 without evidence for independent evaluation and classified the variant as pathogenic. Based on the evidence outlined above, the variant was classified as pathogenic.

Consortium of Investigators of Modifiers of BRCA1/2 (CIMBA), c/o University of Cambridge
Classification: Pathogenic for Breast-ovarian cancer, familial, susceptibility to, 2. Last evaluated: 2015-10-02. Review status: criteria provided, single submitter. Criteria: CIMBA Mutation Classification guidelines May 2016. Collection method: clinical testing. Allele origin: germline. Not counted in ClinVar's aggregate classification.

Literature cited by the submitters: PubMed 20104584 (cited by Labcorp Genetics (formerly Invitae), Labcorp); PubMed 25863477 (cited by 3 submitters); PubMed 26187060 (cited by Ambry Genetics and Women's Health and Genetics/Laboratory Corporation of America, LabCorp); PubMed 29446198 (cited by Ambry Genetics and Women's Health and Genetics/Laboratory Corporation of America, LabCorp); PubMed 23929434 (cited by Women's Health and Genetics/Laboratory Corporation of America, LabCorp); PubMed 30103829 (cited by Women's Health and Genetics/Laboratory Corporation of America, LabCorp).

NM_000059.4(BRCA2):c.2657del (p.Asn886fs)

Gene: BRCA2 (BRCA2 DNA repair associated; plus strand). Cytogenetic location: 13q13.1.
Variant type: Deletion.
Coding change: c.2657del on transcript NM_000059.4 (MANE Select); coding-DNA position 2657, one base deleted (A; older notation c.2657delA).
Protein change: p.Asn886fs; shifts the reading frame from asparagine 886.
Molecular consequence: frameshift variant.
Genome position (GRCh38, 1-based): chr13:32,337,012, A deleted; the last of 2 consecutive A bases (chr13:32,337,011-32,337,012); deleting either gives the same sequence. VCF-style (leftmost placement, unchanged base first): chr13-32337010-CA-C. GRCh37 (hg19) VCF-style: chr13-32911147-CA-C.
Other names: 2885delA; c.2657delA (NM_000059.3).
Identifiers: ClinVar variation 266713 (VCV000266713.18), dbSNP rs886040439, ClinGen allele CA10589166.
Genomic context (GRCh38, chr13:32,337,010, plus strand): 5'-AGAAACTACTTCAATTTCAAAAATAACTGTCAATCCAGACTCTGAAGAACTTTTCTCAGA[CA>C]ATGAGAATAATTTTGTCTTCCAAGTAGCTAATGAAAGGAATAATCTTGCTTTAGGAAATA-3'